The following is an entry in ClinVar:

ClinVar aggregate classification (germline): Uncertain significance (1 of 4 stars; one submission).

Conditions:
Alstrom syndrome (ALMS). Identifiers: Orphanet 64, MedGen C0268425, MONDO:0008763, OMIM 203800.

Submission:

Labcorp Genetics (formerly Invitae), Labcorp
Classification: Uncertain significance for Alstrom syndrome. Last evaluated: 2025-02-06. Review status: criteria provided, single submitter. Criteria: Invitae Variant Classification Sherloc (09022015). Collection method: clinical testing. Allele origin: germline.
Comment: This variant, c.77_78insGGAGGAGGAGGAAGAGGAGGAGGAGGAGGA, results in the insertion of 10 amino acid(s) of the ALMS1 protein (p.Glu20_Glu29dup), but otherwise preserves the integrity of the reading frame. This variant is not present in population databases (gnomAD no frequency). This variant has not been reported in the literature in individuals affected with ALMS1-related conditions. ClinVar contains an entry for this variant (Variation ID: 1436274). Experimental studies and prediction algorithms are not available or were not evaluated, and the functional significance of this variant is currently unknown. In summary, the available evidence is currently insufficient to determine the role of this variant in disease. Therefore, it has been classified as a Variant of Uncertain Significance.

NM_001378454.1(ALMS1):c.74_75insGGAGGAGGAGGAAGAGGAGGAGGAGGAGGA (p.Glu19_Glu28dup)

Gene: ALMS1 (ALMS1 centrosome and basal body associated protein; plus strand). Cytogenetic location: 2p13.1.
Variant type: Microsatellite.
Coding change: c.74_75insGGAGGAGGAGGAAGAGGAGGAGGAGGAGGA on transcript NM_001378454.1 (MANE Select); coding-DNA positions 74 to 75, GGAGGAGGAGGAAGAGGAGGAGGAGGAGGA inserted.
Protein change: p.Glu19_Glu28dup.
Molecular consequence: inframe insertion.
Genome position: GRCh38 VCF-style: chr2-73385925-G-GGAGGAGGAGGAGGAGGAGGAGGAGGAGGAA. GRCh37 (hg19) VCF-style: chr2-73613053-G-GGAGGAGGAGGAGGAGGAGGAGGAGGAGGAA.
Other names: c.77_78insGGAGGAGGAGGAAGAGGAGGAGGAGGAGGA, p.Glu20_Glu29dup (NM_015120.4).
Identifiers: ClinVar variation 1436274 (VCV001436274.5), dbSNP rs2104057327.